The following is an entry in ClinVar:

NM_001371904.1(APOA5):c.562A>T (p.Lys188Ter)

Gene: APOA5 (apolipoprotein A5; minus strand). Cytogenetic location: 11q23.3.
Variant type: single nucleotide variant.
Coding change: c.562A>T on transcript NM_001371904.1 (MANE Select); coding-DNA position 562, A replaced by T.
Protein change: p.Lys188Ter; replaces lysine 188 with a stop codon.
Molecular consequence: nonsense.
Genome position (GRCh38, 1-based): chr11:116,790,667, T>A on the plus strand (A>T on the coding strand, the complement: APOA5 is on the minus strand). VCF-style: chr11-116790667-T-A. GRCh37 (hg19) VCF-style: chr11-116661383-T-A.
Other names: c.562A>T, p.Lys188Ter (NM_001166598.2, NM_052968.5); short protein forms K188*.
Identifiers: ClinVar variation 3884283 (VCV003884283.1).
Genomic context (GRCh38, chr11:116,790,667, plus strand): 5'-CCTGCACGTGGCGCCCGATGCCGCTCACCAGGCTCTCGGCGTATGGGTGGAAGAGCTCTT[T>A]GAAGCGGCCGGTGTGGTGCACCACGCGGCTCTGCAGTCCCTGCAGCAAAGCCCAAGCCTC-3'

ClinVar aggregate classification (germline): Pathogenic (1 of 4 stars; one submission).

Conditions:
Cardiovascular phenotype. Identifiers: MedGen CN230736.

Submission:

Ambry Genetics
Classification: Pathogenic for Cardiovascular phenotype. Last evaluated: 2025-01-24. Review status: criteria provided, single submitter. Criteria: Ambry Variant Classification Scheme 2023. Collection method: clinical testing. Allele origin: germline.
Comment: The p.K188* pathogenic mutation (also known as c.562A>T), located in coding exon 3 of the APOA5 gene, results from an A to T substitution at nucleotide position 562. This changes the amino acid from a lysine to a stop codon within coding exon 3. This variant is considered to be rare based on population cohorts in the Genome Aggregation Database (gnomAD). This alteration is expected to result in loss of function by premature protein truncation or nonsense-mediated mRNA decay. As such, this alteration is interpreted as a disease-causing mutation.